The following is an entry in ClinVar:

ClinVar aggregate classification (germline): Uncertain significance (1 of 4 stars; one submission).

Conditions:
TBX3-related disorder. Also called: TBX3-related condition.

Submission:

PreventionGenetics, part of Exact Sciences
Classification: Uncertain significance for TBX3-related condition. Last evaluated: 2025-06-23. Review status: criteria provided, single submitter. Criteria: ACMG Guidelines, 2015. Collection method: clinical testing. Allele origin: germline.
Comment: The TBX3 c.1990G>A variant is predicted to result in the amino acid substitution p.Ala664Thr. To our knowledge, this variant has not been reported in the literature or in a large population database (gnomAD), indicating this variant is rare. At this time, the clinical significance of this variant is uncertain due to the absence of conclusive functional and genetic evidence.

NM_005996.4(TBX3):c.1930G>A (p.Ala644Thr)

Gene: TBX3 (T-box transcription factor 3; minus strand). Cytogenetic location: 12q24.21.
Variant type: single nucleotide variant.
Coding change: c.1930G>A on transcript NM_005996.4 (MANE Select); coding-DNA position 1930, G replaced by A.
Protein change: p.Ala644Thr; replaces alanine 644 with threonine.
Molecular consequence: missense variant.
Genome position (GRCh38, 1-based): chr12:114,672,083, C>T on the plus strand (G>A on the coding strand, the complement: TBX3 is on the minus strand). VCF-style: chr12-114672083-C-T. GRCh37 (hg19) VCF-style: chr12-115109888-C-T.
Other names: c.1990G>A, p.Ala664Thr (NM_016569.4); short protein forms A644T, A664T.
Identifiers: ClinVar variation 5002151 (VCV005002151.1).